The following is an entry in ClinVar:

NM_000903.3(NQO1):c.334A>C (p.Ile112Leu)

Gene: NQO1 (NAD(P)H quinone dehydrogenase 1; minus strand). Cytogenetic location: 16q22.1.
Variant type: single nucleotide variant.
Coding change: c.334A>C on transcript NM_000903.3 (MANE Select); coding-DNA position 334, A replaced by C.
Protein change: p.Ile112Leu; replaces isoleucine 112 with leucine.
Molecular consequence: missense variant. On other transcripts: intron variant (2).
Genome position (GRCh38, 1-based): chr16:69,715,047, T>G on the plus strand (A>C on the coding strand, the complement: NQO1 is on the minus strand). VCF-style: chr16-69715047-T-G. GRCh37 (hg19) VCF-style: chr16-69748950-T-G.
Other names: c.334A>C, p.Ile112Leu (NM_001025433.2); c.303+3076A>C (NM_001286137.2); c.304-1918A>C (NM_001025434.2); short protein forms I112L.
Identifiers: ClinVar variation 1730490 (VCV001730490.2), dbSNP rs969934285, ClinGen allele CA396488966.

ClinVar aggregate classification (germline): Uncertain significance (1 of 4 stars; one submission).

Submission:

Ambry Genetics
Classification: Uncertain significance. Last evaluated: 2021-12-11. Review status: criteria provided, single submitter. Criteria: Ambry Variant Classification Scheme 2023. Collection method: clinical testing. Allele origin: germline.
Comment: The p.I112L variant (also known as c.334A>C), located in coding exon 4 of the NQO1 gene, results from an A to C substitution at nucleotide position 334. The isoleucine at codon 112 is replaced by leucine, an amino acid with highly similar properties. This amino acid position is conserved. In addition, this alteration is predicted to be tolerated by in silico analysis. Since supporting evidence is limited at this time, the clinical significance of this alteration remains unclear.